The following is an entry in ClinVar:

ClinVar aggregate classification (germline): Pathogenic (1 of 4 stars; one submission).

Conditions:
Hereditary cancer-predisposing syndrome. Also called: Hereditary Cancer Syndrome; Hereditary neoplastic syndrome; Neoplastic Syndromes, Hereditary; Tumor predisposition. Identifiers: Orphanet 140162, MedGen C0027672, MeSH D009386, MONDO:0015356.

Submission:

Ambry Genetics
Classification: Pathogenic for Hereditary cancer-predisposing syndrome. Last evaluated: 2019-12-06. Review status: criteria provided, single submitter. Criteria: Ambry Variant Classification Scheme 2023. Collection method: clinical testing. Allele origin: germline.
Comment: The c.594delA pathogenic mutation, located in coding exon 6 of the BRCA2 gene, results from a deletion of one nucleotide at nucleotide position 594, causing a translational frameshift with a predicted alternate stop codon (p.A199Lfs*12). This alteration is expected to result in loss of function by premature protein truncation or nonsense-mediated mRNA decay. As such, this alteration is interpreted as a disease-causing mutation.

NM_000059.4(BRCA2):c.594del (p.Ala199fs)

Gene: BRCA2 (BRCA2 DNA repair associated; plus strand). Cytogenetic location: 13q13.1.
Variant type: Deletion.
Coding change: c.594del on transcript NM_000059.4 (MANE Select); coding-DNA position 594, one base deleted (A; older notation c.594delA).
Protein change: p.Ala199fs; shifts the reading frame from alanine 199.
Molecular consequence: frameshift variant.
Genome position (GRCh38, 1-based): chr13:32,326,576, A deleted. VCF-style (leftmost placement, unchanged base first): chr13-32326575-TA-T. GRCh37 (hg19) VCF-style: chr13-32900712-TA-T.
Other names: c.594delA, p.Ala199Leufs (NM_001406719.1, NM_001406720.1, NM_001406721.1); c.225delA, p.Ala76Leufs (NM_001406722.1); short protein forms A199fs.
Identifiers: ClinVar variation 1750670 (VCV001750670.2), dbSNP rs2548515760, ClinGen allele CA2580087034.
Genomic context (GRCh38, chr13:32,326,575, plus strand): 5'-AACATATTTCTGAAAGTCTAGGAGCTGAGGTGGATCCTGATATGTCTTGGTCAAGTTCTT[TA>T]GCTACACCACCCACCCTTAGTTCTACTGTGCTCATAGGTAATAATAGCAAATGTGTATTT-3'